The following is an entry in ClinVar:

NM_020937.4(FANCM):c.362C>T (p.Ala121Val)

Gene: FANCM (FA complementation group M; plus strand). Cytogenetic location: 14q21.2.
Variant type: single nucleotide variant.
Coding change: c.362C>T on transcript NM_020937.4 (MANE Select); coding-DNA position 362, C replaced by T.
Protein change: p.Ala121Val; replaces alanine 121 with valine.
Molecular consequence: missense variant.
Genome position (GRCh38, 1-based): chr14:45,136,393, C>T. VCF-style: chr14-45136393-C-T. GRCh37 (hg19) VCF-style: chr14-45605596-C-T.
Other names: c.362C>T, p.Ala121Val (NM_001308133.2, NM_001308134.2); c.362C>T (NM_020937.3); short protein forms A121V.
Identifiers: ClinVar variation 1008545 (VCV001008545.13), dbSNP rs899740775, ClinGen allele CA259602533.

ClinVar aggregate classification (germline): Uncertain significance. Review status: criteria provided, multiple submitters, no conflicts (2 of 4 stars). 5 submissions from 5 submitters: Uncertain significance (5). Last evaluated 2024-12-15.

Conditions:
Hereditary cancer-predisposing syndrome. Also called: Tumor predisposition; Hereditary neoplastic syndrome; Neoplastic Syndromes, Hereditary; Hereditary Cancer Syndrome. Identifiers: Orphanet 140162, MedGen C0027672, MeSH D009386, MONDO:0015356.
Fanconi anemia (FA). Also called: Fanconi's anemia. Identifiers: Orphanet 84, MedGen C0015625, MeSH D005199, MONDO:0019391.
Inborn genetic diseases. Identifiers: MedGen C0950123, MeSH D030342.

Allele frequency attached by ClinVar (database versions not stated): gnomAD exomes below 0.00001; TOPMed below 0.00001.
gnomAD v4.1: 4 of 1,614,168 alleles (0.00025%); highest among the groups gnomAD compares: Non-Finnish European, 0.00017%; no homozygotes.

Submissions (5):

Ambry Genetics
Classification: Uncertain significance for Inborn genetic diseases. Last evaluated: 2024-12-15. Review status: criteria provided, single submitter. Criteria: Ambry Variant Classification Scheme 2023. Collection method: clinical testing. Allele origin: germline.
Comment: The p.A121V variant (also known as c.362C>T), located in coding exon 1 of the FANCM gene, results from a C to T substitution at nucleotide position 362. The alanine at codon 121 is replaced by valine, an amino acid with similar properties. This amino acid position is conserved. In addition, the in silico prediction for this alteration is inconclusive. Based on the available evidence, the clinical significance of this variant remains unclear.

Labcorp Genetics (formerly Invitae), Labcorp
Classification: Uncertain significance for Fanconi anemia. Last evaluated: 2024-12-15. Review status: criteria provided, single submitter. Criteria: Invitae Variant Classification Sherloc (09022015). Collection method: clinical testing. Allele origin: germline.
Comment: This sequence change replaces alanine, which is neutral and non-polar, with valine, which is neutral and non-polar, at codon 121 of the FANCM protein (p.Ala121Val). This variant is not present in population databases (gnomAD no frequency). This variant has not been reported in the literature in individuals affected with FANCM-related conditions. ClinVar contains an entry for this variant (Variation ID: 1008545). An algorithm developed to predict the effect of missense changes on protein structure and function (PolyPhen-2) suggests that this variant is likely to be disruptive. In summary, the available evidence is currently insufficient to determine the role of this variant in disease. Therefore, it has been classified as a Variant of Uncertain Significance.

Quest Diagnostics Nichols Institute San Juan Capistrano
Classification: Uncertain significance. Last evaluated: 2023-04-11. Review status: criteria provided, single submitter. Criteria: Quest Diagnostics criteria. Collection method: clinical testing. Allele origin: unknown.
Comment: The variant has not been reported in the published literature. It also has not been reported in large, multi-ethnic general populations. Analysis of this variant using bioinformatics tools for the prediction of the effect of amino acid changes on protein structure and function yielded predictions that this variant is damaging. Based on the available information, we are unable to determine the clinical significance of this variant.

GeneDx
Classification: Uncertain significance. Last evaluated: 2022-02-03. Review status: criteria provided, single submitter. Criteria: GeneDx Variant Classification Process June 2021. Collection method: clinical testing. Allele origin: germline. Affected: yes.
Comment: Not observed at significant frequency in large population cohorts (gnomAD); In silico analysis supports that this missense variant has a deleterious effect on protein structure/function; Has not been previously published as pathogenic or benign to our knowledge

Sema4
Classification: Uncertain significance for Hereditary cancer-predisposing syndrome. Last evaluated: 2021-04-27. Review status: criteria provided, single submitter. Criteria: Sema4 Curation Guidelines. Collection method: curation. Allele origin: germline.
Comment: The FANCM c.362C>T (p.A121V) variant has not been reported in the literature to our knowledge. It was not observed in the large and broad cohorts of the Genome Aggregation Database (PMID: 32461654). The variant has been reported in ClinVar (Variation ID 1008545). Computational analyses and evolutionary conservation data do not provide strong support for or against an impact to the protein, however these predictions have not been confirmed by published functional studies. The evidence is insufficient to meet ACMG/AMP criteria for classifying the variant as benign or pathogenic. Thus, the clinical significance of this variant is currently uncertain.